The following is an entry in ClinVar:

NM_001486.4(GCKR):c.354G>A (p.Ser118=)

Gene: GCKR (glucokinase regulator; plus strand). Cytogenetic location: 2p23.3.
Variant type: single nucleotide variant.
Coding change: c.354G>A on transcript NM_001486.4 (MANE Select); coding-DNA position 354, G replaced by A.
Protein change: p.Ser118=; no amino-acid change (serine 118 retained).
Molecular consequence: synonymous variant.
Genome position (GRCh38, 1-based): chr2:27,498,323, G>A. VCF-style: chr2-27498323-G-A. GRCh37 (hg19) VCF-style: chr2-27721190-G-A.
Identifiers: ClinVar variation 1611176 (VCV001611176.10), dbSNP rs143881585, ClinGen allele CA1581526.

ClinVar aggregate classification (germline): Benign/Likely benign. Review status: criteria provided, multiple submitters, no conflicts (2 of 4 stars). 2 submissions from 2 submitters: Benign (1); Likely benign (1). Last evaluated 2025-12-15.

Allele frequency attached by ClinVar (database versions not stated): gnomAD 0.00039; TOPMed 0.00057; ExAC 0.00102; 1000 Genomes Project 30x 0.00453; 1000 Genomes Project 0.00519; ESP Exome Variant Server 0.00023.
gnomAD v4.1: 553 of 1,609,438 alleles (0.034%); highest among the groups gnomAD compares: East Asian, 0.66%; 4 homozygotes.

Submissions (10):

Labcorp Genetics (formerly Invitae), Labcorp
Classification: Benign. Last evaluated: 2025-12-15. Review status: criteria provided, single submitter. Criteria: Invitae Variant Classification Sherloc (09022015). Collection method: clinical testing. Allele origin: germline.

GeneDx
Classification: Likely benign. Last evaluated: 2020-02-29. Review status: criteria provided, single submitter. Criteria: GeneDx Variant Classification Process June 2021. Collection method: clinical testing. Allele origin: germline. Affected: yes.
Comment: See Variant Classification Assertion Criteria.

Dr. Peter K. Rogan Lab, Western University
No classification provided (evidence only). Condition: Clear cell carcinoma of kidney. Review status: no classification provided. Collection method: in vitro. Allele origin: not applicable. Functional consequence: skipped exon, retained intron. Not counted in ClinVar's aggregate classification.

Dr. Peter K. Rogan Lab, Western University
No classification provided (evidence only). Condition: Hepatocellular carcinoma. Review status: no classification provided. Collection method: in vitro. Allele origin: not applicable. Functional consequence: skipped exon. Not counted in ClinVar's aggregate classification.

Dr. Peter K. Rogan Lab, Western University
No classification provided (evidence only). Condition: Hepatocellular carcinoma. Review status: no classification provided. Collection method: in vitro. Allele origin: not applicable. Functional consequence: skipped exon, retained intron. Not counted in ClinVar's aggregate classification.

Dr. Peter K. Rogan Lab, Western University
No classification provided (evidence only). Condition: Hepatocellular carcinoma. Review status: no classification provided. Collection method: in vitro. Allele origin: not applicable. Functional consequence: skipped exon. Not counted in ClinVar's aggregate classification.

Dr. Peter K. Rogan Lab, Western University
No classification provided (evidence only). Condition: Hepatocellular carcinoma. Review status: no classification provided. Collection method: in vitro. Allele origin: not applicable. Functional consequence: skipped exon. Not counted in ClinVar's aggregate classification.

Dr. Peter K. Rogan Lab, Western University
No classification provided (evidence only). Condition: Hepatocellular carcinoma. Review status: no classification provided. Collection method: in vitro. Allele origin: not applicable. Functional consequence: skipped exon, retained intron. Not counted in ClinVar's aggregate classification.

Dr. Peter K. Rogan Lab, Western University
No classification provided (evidence only). Condition: Hepatocellular carcinoma. Review status: no classification provided. Collection method: in vitro. Allele origin: not applicable. Functional consequence: skipped exon. Not counted in ClinVar's aggregate classification.

Dr. Peter K. Rogan Lab, Western University
No classification provided (evidence only). Condition: Cholangiocarcinoma. Review status: no classification provided. Collection method: in vitro. Allele origin: not applicable. Functional consequence: skipped exon, retained intron. Not counted in ClinVar's aggregate classification.